The following is an entry in ClinVar:

NM_024548.4(CEP97):c.220A>G (p.Met74Val)

Gene: CEP97 (centrosomal protein 97; plus strand). Cytogenetic location: 3q12.3.
Variant type: single nucleotide variant.
Coding change: c.220A>G on transcript NM_024548.4 (MANE Select); coding-DNA position 220, A replaced by G.
Protein change: p.Met74Val; replaces methionine 74 with valine.
Molecular consequence: missense variant.
Genome position (GRCh38, 1-based): chr3:101,727,416, A>G. VCF-style: chr3-101727416-A-G. GRCh37 (hg19) VCF-style: chr3-101446260-A-G.
Other names: c.220A>G, p.Met74Val (NM_001303401.2, NM_001410784.1, NM_001410785.1); short protein forms M74V.
Identifiers: ClinVar variation 3665873 (VCV003665873.2).
Genomic context (GRCh38, chr3:101,727,416, plus strand): 5'-AAATAACAATATGTTTCCTTTTTACAGTTATCAGTAGCTAATAATCGGCTGGTTCGGATG[A>G]TGGGTGTGGCCAAGCTGACGTTGCTTCGTGTATTAAATTTGCCTCATAATAGCATTGGCT-3'
Protein context (NP_078824.2, residues 64-84): SVANNRLVRM[Met74Val]GVAKLTLLRV

ClinVar aggregate classification (germline): Uncertain significance (1 of 4 stars; one submission).

Submission:

Labcorp Genetics (formerly Invitae), Labcorp
Classification: Uncertain significance. Last evaluated: 2024-09-20. Review status: criteria provided, single submitter. Criteria: Invitae Variant Classification Sherloc (09022015). Collection method: clinical testing. Allele origin: germline.
Comment: This sequence change replaces methionine, which is neutral and non-polar, with valine, which is neutral and non-polar, at codon 74 of the CEP97 protein (p.Met74Val). This variant is not present in population databases (gnomAD no frequency). This variant has not been reported in the literature in individuals affected with CEP97-related conditions. Invitae Evidence Modeling of protein sequence and biophysical properties (such as structural, functional, and spatial information, amino acid conservation, physicochemical variation, residue mobility, and thermodynamic stability) indicates that this missense variant is expected to disrupt CEP97 protein function with a positive predictive value of 80%. In summary, the available evidence is currently insufficient to determine the role of this variant in disease. Therefore, it has been classified as a Variant of Uncertain Significance.